The following is an entry in ClinVar:

NM_213606.4(SLC16A12):c.97A>G (p.Lys33Glu)

Genes: SLC16A12 (solute carrier family 16 member 12; minus strand), SLC16A12-AS1 (SLC16A12 antisense RNA 1; plus strand). Cytogenetic location: 10q23.31.
Variant type: single nucleotide variant.
Coding change: c.97A>G on transcript NM_213606.4 (MANE Select); coding-DNA position 97, A replaced by G.
Protein change: p.Lys33Glu; replaces lysine 33 with glutamic acid.
Molecular consequence: missense variant.
Genome position (GRCh38, 1-based): chr10:89,462,482, T>C on the plus strand (A>G on the coding strand, the complement: SLC16A12 is on the minus strand). VCF-style: chr10-89462482-T-C. GRCh37 (hg19) VCF-style: chr10-91222239-T-C.
Other names: c.97A>G (NM_213606.3); short protein forms K33E.
Identifiers: ClinVar variation 2070348 (VCV002070348.6), dbSNP rs144003754, ClinGen allele CA5595618.

ClinVar aggregate classification (germline): Benign. Review status: criteria provided, single submitter (1 of 4 stars). 2 submissions from 2 submitters: Benign (1). 1 of the submissions does not count toward it. Last evaluated 2022-05-12.

Conditions:
SLC16A12-related disorder. Also called: SLC16A12-related condition.

Allele frequency attached by ClinVar (database versions not stated): ESP Exome Variant Server 0.00115; 1000 Genomes Project 0.00080; TOPMed 0.00142; 1000 Genomes Project 30x 0.00078; gnomAD 0.00142.
gnomAD v4.1: 371 of 1,614,082 alleles (0.023%); highest among the groups gnomAD compares: African/African-American, 0.44%; 1 homozygote.

Submissions (2):

Labcorp Genetics (formerly Invitae), Labcorp
Classification: Benign. Last evaluated: 2022-05-12. Review status: criteria provided, single submitter. Criteria: Invitae Variant Classification Sherloc (09022015). Collection method: clinical testing. Allele origin: germline.

PreventionGenetics, part of Exact Sciences
Classification: Likely benign for SLC16A12-related condition. Last evaluated: 2023-10-16. Review status: no assertion criteria provided. Collection method: clinical testing. Allele origin: germline. Not counted in ClinVar's aggregate classification.
Comment: This variant is classified as likely benign based on ACMG/AMP sequence variant interpretation guidelines (Richards et al. 2015 PMID: 25741868, with internal and published modifications).